The following is an entry in ClinVar:

NM_020964.3(EPG5):c.5602G>T (p.Gly1868Trp)

Gene: EPG5 (ectopic P-granules 5 autophagy tethering factor; minus strand). Cytogenetic location: 18q12.3.
Variant type: single nucleotide variant.
Coding change: c.5602G>T on transcript NM_020964.3 (MANE Select); coding-DNA position 5602, G replaced by T.
Protein change: p.Gly1868Trp; replaces glycine 1868 with tryptophan.
Molecular consequence: missense variant.
Genome position (GRCh38, 1-based): chr18:45,880,140, C>A on the plus strand (G>T on the coding strand, the complement: EPG5 is on the minus strand). VCF-style: chr18-45880140-C-A. GRCh37 (hg19) VCF-style: chr18-43460105-C-A.
Other names: c.5602G>T, p.Gly1868Trp (LRG_1234t1); short protein forms G1868W.
Identifiers: ClinVar variation 520676 (VCV000520676.12), dbSNP rs762207905, ClinGen allele CA8948548.

ClinVar aggregate classification (germline): Uncertain significance. Review status: criteria provided, multiple submitters, no conflicts (2 of 4 stars). 3 submissions from 3 submitters: Uncertain significance (3). Last evaluated 2025-02-18.

Conditions:
Inborn genetic diseases. Identifiers: MedGen C0950123, MeSH D030342.
Vici syndrome (VICIS). Identifiers: Orphanet 1493, MedGen C1855772, MONDO:0009452, OMIM 242840.

Allele frequency attached by ClinVar (database versions not stated): TOPMed 0.00006; ExAC 0.00007.
gnomAD v4.1: 170 of 1,611,506 alleles (0.011%); highest among the groups gnomAD compares: Non-Finnish European, 0.013%; no homozygotes.

Submissions (3):

GeneDx
Classification: Uncertain significance. Last evaluated: 2025-02-18. Review status: criteria provided, single submitter. Criteria: GeneDx Variant Classification Process June 2021. Collection method: clinical testing. Allele origin: germline. Affected: yes.
Comment: Not observed at significant frequency in large population cohorts (gnomAD); In silico analysis supports that this missense variant has a deleterious effect on protein structure/function; Has not been previously published as pathogenic or benign to our knowledge

Labcorp Genetics (formerly Invitae), Labcorp
Classification: Uncertain significance for Vici syndrome. Last evaluated: 2022-11-01. Review status: criteria provided, single submitter. Criteria: Invitae Variant Classification Sherloc (09022015). Collection method: clinical testing. Allele origin: germline.
Comment: This sequence change replaces glycine, which is neutral and non-polar, with tryptophan, which is neutral and slightly polar, at codon 1868 of the EPG5 protein (p.Gly1868Trp). This variant is present in population databases (rs762207905, gnomAD 0.01%). This missense change has been observed in individual(s) with symptoms consistent with Vici syndrome (Invitae). In at least one individual the data is consistent with being in trans (on the opposite chromosome) from a pathogenic variant. ClinVar contains an entry for this variant (Variation ID: 520676). Advanced modeling of protein sequence and biophysical properties (such as structural, functional, and spatial information, amino acid conservation, physicochemical variation, residue mobility, and thermodynamic stability) performed at Invitae indicates that this missense variant is not expected to disrupt EPG5 protein function. In summary, the available evidence is currently insufficient to determine the role of this variant in disease. Therefore, it has been classified as a Variant of Uncertain Significance.

Ambry Genetics
Classification: Uncertain significance for Inborn genetic diseases. Last evaluated: 2015-10-15. Review status: criteria provided, single submitter. Criteria: Ambry exome assertion method (8-5-2015). Collection method: clinical testing. Allele origin: germline. Affected: yes. Observed: 1 variant allele.